The following is an entry in ClinVar:

ClinVar aggregate classification (germline): Likely benign. Review status: criteria provided, multiple submitters, no conflicts (2 of 4 stars). 4 submissions from 4 submitters: Likely benign (4). Last evaluated 2024-02-26.

Conditions:
Cardiomyopathy (CMYO). Also called: Cardiomyopathies. Identifiers: Orphanet 167848, MedGen C0878544, MONDO:0004994, HP:0001638. Inheritance: Various modes of inheritance.
Hypertrophic cardiomyopathy. Also called: HYPERTROPHIC MYOCARDIOPATHY. Identifiers: Orphanet 217569, MedGen C0007194, MeSH D002312, MONDO:0005045, HP:0001639.
Cardiovascular phenotype. Identifiers: MedGen CN230736.

Allele frequency attached by ClinVar (database versions not stated): gnomAD exomes below 0.00001 and 0.00001; ExAC 0.00001; TOPMed 0.00002.
gnomAD v4.1: 3 of 1,608,998 alleles (0.00019%); highest among the groups gnomAD compares: Admixed American, 0.0033%; no homozygotes.

Submissions (4):

Labcorp Genetics (formerly Invitae), Labcorp
Classification: Likely benign for Hypertrophic cardiomyopathy. Last evaluated: 2024-02-26. Review status: criteria provided, single submitter. Criteria: Invitae Variant Classification Sherloc (09022015). Collection method: clinical testing. Allele origin: germline.

All of Us Research Program, National Institutes of Health
Classification: Likely benign for Cardiomyopathy. Last evaluated: 2023-12-01. Review status: criteria provided, single submitter. Criteria: ACMG Guidelines, 2015. Collection method: clinical testing. Allele origin: germline. Inheritance: Autosomal dominant inheritance. Observed: 6 variant alleles, 6 heterozygotes.
Comment: This study involves interpretation of variants in research participants for the purpose of population health screening. Participant phenotype was not available at the time of variant classification. Additional details can be found in publication PMID: 35346344, PMCID: PMC8962531

Color Diagnostics, LLC DBA Color Health
Classification: Likely benign for Cardiomyopathy. Last evaluated: 2023-05-03. Review status: criteria provided, single submitter. Criteria: ACMG Guidelines, 2015. Collection method: clinical testing. Allele origin: germline.

Ambry Genetics
Classification: Likely benign for Cardiovascular phenotype. Last evaluated: 2023-01-12. Review status: criteria provided, single submitter. Criteria: Ambry Variant Classification Scheme 2023. Collection method: clinical testing. Allele origin: germline.

NM_000257.4(MYH7):c.5541C>A (p.Ile1847=)

Gene: MYH7 (myosin heavy chain 7; minus strand). Cytogenetic location: 14q11.2.
Variant type: single nucleotide variant.
Coding change: c.5541C>A on transcript NM_000257.4 (MANE Select); coding-DNA position 5541, C replaced by A.
Protein change: p.Ile1847=; no amino-acid change (isoleucine 1847 retained).
Molecular consequence: synonymous variant.
Genome position (GRCh38, 1-based): chr14:23,415,013, G>T on the plus strand (C>A on the coding strand, the complement: MYH7 is on the minus strand). VCF-style: chr14-23415013-G-T. GRCh37 (hg19) VCF-style: chr14-23884222-G-T.
Identifiers: ClinVar variation 525049 (VCV000525049.14), dbSNP rs770583523, ClinGen allele CA047173.
Genomic context (GRCh38, chr14:23,415,013, plus strand): 5'-CTATGGTGCCAGGGCTCTGCCTGGAGTCACCGCCCGTCGCACCTGGTAGGTGAGCTCCTT[G>T]ATGCGCCGCTCGCTCTTCCTCATGCCCTTCACCGACTCTGCGTTGCGCTTCTGCTCGGCC-3'
Protein context (NP_000248.2, residues 1837-1857): VKGMRKSERR[Ile1847=]KELTYQTEED